The following is an entry in ClinVar:

ClinVar aggregate classification (germline): Uncertain significance (1 of 4 stars; one submission).

Conditions:
Joubert syndrome 21 (JBTS21). Identifiers: MedGen C3810212, MONDO:0014288, OMIM 615636.

Allele frequency attached by ClinVar (database versions not stated): gnomAD exomes below 0.00001; gnomAD 0.00001.
gnomAD v4.1: 2 of 1,613,228 alleles (0.00012%); highest among the groups gnomAD compares: Admixed American, 0.0017%; no homozygotes.

Submission:

Labcorp Genetics (formerly Invitae), Labcorp
Classification: Uncertain significance for Joubert syndrome 21. Last evaluated: 2022-06-13. Review status: criteria provided, single submitter. Criteria: Invitae Variant Classification Sherloc (09022015). Collection method: clinical testing. Allele origin: germline.
Comment: In summary, the available evidence is currently insufficient to determine the role of this variant in disease. Therefore, it has been classified as a Variant of Uncertain Significance. Algorithms developed to predict the effect of missense changes on protein structure and function output the following: SIFT: "Tolerated"; PolyPhen-2: "Benign"; Align-GVGD: "Class C0". The alanine amino acid residue is found in multiple mammalian species, which suggests that this missense change does not adversely affect protein function. ClinVar contains an entry for this variant (Variation ID: 837035). This variant has not been reported in the literature in individuals affected with CSPP1-related conditions. This variant is not present in population databases (gnomAD no frequency). This sequence change replaces threonine, which is neutral and polar, with alanine, which is neutral and non-polar, at codon 509 of the CSPP1 protein (p.Thr509Ala).

NM_001382391.1(CSPP1):c.1540A>G (p.Thr514Ala)

Gene: CSPP1 (centrosome and spindle pole associated protein 1; plus strand). Cytogenetic location: 8q13.2.
Variant type: single nucleotide variant.
Coding change: c.1540A>G on transcript NM_001382391.1 (MANE Select); coding-DNA position 1540, A replaced by G.
Protein change: p.Thr514Ala; replaces threonine 514 with alanine.
Molecular consequence: missense variant.
Genome position (GRCh38, 1-based): chr8:67,118,291, A>G. VCF-style: chr8-67118291-A-G. GRCh37 (hg19) VCF-style: chr8-68030526-A-G.
Other names: c.643A>G, p.Thr215Ala (NM_001291339.2); c.1459A>G, p.Thr487Ala (NM_001363131.2); c.1498A>G, p.Thr500Ala (NM_001363132.2); c.1417A>G, p.Thr473Ala (NM_001363133.2); c.1606A>G, p.Thr536Ala (NM_001364869.1); c.1426A>G, p.Thr476Ala (NM_001364870.1); c.1525A>G, p.Thr509Ala (NM_024790.7); short protein forms T473A, T500A, T509A, T536A, T215A, T476A, T487A, T514A.
Identifiers: ClinVar variation 837035 (VCV000837035.9), dbSNP rs1818321960, ClinGen allele CA371200501.